The following is an entry in ClinVar:

NM_005476.7(GNE):c.1132G>C (p.Asp378His)

Gene: GNE (glucosamine (UDP-N-acetyl)-2-epimerase/N-acetylmannosamine kinase; minus strand). Cytogenetic location: 9p13.3.
Variant type: single nucleotide variant.
Coding change: c.1132G>C on transcript NM_005476.7 (MANE Select); coding-DNA position 1132, G replaced by C.
Protein change: p.Asp378His; replaces aspartic acid 378 with histidine.
Molecular consequence: missense variant.
Genome position (GRCh38, 1-based): chr9:36,227,397, C>G on the plus strand (G>C on the coding strand, the complement: GNE is on the minus strand). VCF-style: chr9-36227397-C-G. GRCh37 (hg19) VCF-style: chr9-36227394-C-G.
Other names: c.1132G>C, p.Asp378His (NM_001190383.3); c.802G>C, p.Asp268His (NM_001190384.3); c.955G>C, p.Asp319His (NM_001190388.2, NM_001374798.1); c.979G>C, p.Asp327His (NM_001374797.1); c.1225G>C, p.Asp409His (NM_001128227.3); short protein forms D268H, D319H, D327H, D378H, D409H.
Identifiers: ClinVar variation 1324492 (VCV001324492.6), dbSNP rs199877522, ClinGen allele CA373428995.
Genomic context (GRCh38, chr9:36,227,397, plus strand): 5'-GAGAGATATTCTCCTTCACAGGAGGAAAGCAGAATTTCTTTTGCAGTGGCTCTTGAAGAT[C>G]GATAGATTTGAGAAACTTCAAAATCCTTGGAACAGCATTTCCATCCCCATATATCTTTGA-3'
Protein context (NP_005467.1, residues 368-388): PRILKFLKSI[Asp378His]LQEPLQKKFC

ClinVar aggregate classification (germline): Likely pathogenic. Review status: criteria provided, multiple submitters, no conflicts (2 of 4 stars). 3 submissions from 3 submitters: Likely pathogenic (3). Last evaluated 2025-09-01.

Conditions:
GNE myopathy (NM). Also called: INCLUSION BODY MYOPATHY 2, AUTOSOMAL RECESSIVE; IBM 2; Inclusion body myopathy autosomal recessive; Inclusion body myopathy quadriceps sparing; NONAKA DISTAL MYOPATHY; INCLUSION BODY MYOPATHY, HEREDITARY, AUTOSOMAL RECESSIVE. Identifiers: Orphanet 602, MedGen C1853926, MONDO:0011603, OMIM 605820.

gnomAD v4.1: 1 of 1,612,660 alleles (0.000062%); highest among the groups gnomAD compares: South Asian, 0.0011%; no homozygotes.

Submissions (3):

Natera, Inc.
Classification: Likely pathogenic for Nonaka myopathy. Last evaluated: 2025-09-01. Review status: criteria provided, single submitter. Criteria: Natera Variant Classification Schema (03/2026). Collection method: clinical testing. Allele origin: germline.
Comment: The c.1225G>C variant in GNE is a missense variant predicted to cause substitution of aspartic acid to histidine at amino acid 409. This variant is rare in the general population with a frequency below the threshold expected for the associated phenotype(s). This variant has been observed in one or more individuals affected with the associated recessive disease, as either homozygous or compound heterozygous with a second variant (PMID: 33197058). A different variant at the same position has been determined to be Pathogenic or Likely Pathogenic. Computational prediction algorithms indicate this variant is likely to affect gene or protein function. Given the available evidence, this variant is classified as Likely Pathogenic.

Women's Health and Genetics/Laboratory Corporation of America, LabCorp
Classification: Likely pathogenic for GNE myopathy. Last evaluated: 2024-07-10. Review status: criteria provided, single submitter. Criteria: LabCorp Variant Classification Summary - May 2015. Collection method: clinical testing. Allele origin: germline.
Comment: Variant summary: GNE c.1225G>C (p.Asp409His) results in a non-conservative amino acid change in the encoded protein sequence. Five of five in-silico tools predict a damaging effect of the variant on protein function. The variant was absent in 251400 control chromosomes. c.1225G>C has been reported in the literature in at-least two individuals affected with Hereditary Muscle Disorders and GNE-related myopathy (Chen_2019, Khadilkar_2021,2022, Lv_2022). These data indicate that the variant may be associated with disease. A different variant affecting the same codon has been classified as pathogenic by our lab (c.1225G>T, p.Asp409Tyr), supporting the critical relevance of codon 409 to GNE protein function. To our knowledge, no experimental evidence demonstrating an impact on protein function has been reported. The following publications have been ascertained in the context of this evaluation (PMID: 30390020, 35723113, 33197058, 35138478). ClinVar contains an entry for this variant (Variation ID: 1324492). Based on the evidence outlined above, the variant was classified as likely pathogenic.

Revvity Omics, Revvity
Classification: Likely pathogenic. Last evaluated: 2019-07-25. Review status: criteria provided, single submitter. Criteria: ACMG Guidelines, 2015. Collection method: clinical testing. Allele origin: germline.

Literature cited by the submitters: PubMed 33197058 (cited by Natera, Inc. and Women's Health and Genetics/Laboratory Corporation of America, LabCorp); PubMed 30390020 (cited by Women's Health and Genetics/Laboratory Corporation of America, LabCorp); PubMed 35138478 (cited by Women's Health and Genetics/Laboratory Corporation of America, LabCorp); PubMed 35723113 (cited by Women's Health and Genetics/Laboratory Corporation of America, LabCorp).